The following is an entry in ClinVar:

NM_000535.7(PMS2):c.605G>T (p.Cys202Phe)

Gene: PMS2 (PMS1 homolog 2, mismatch repair system component; minus strand). Cytogenetic location: 7p22.1.
Variant type: single nucleotide variant.
Coding change: c.605G>T on transcript NM_000535.7 (MANE Select); coding-DNA position 605, G replaced by T.
Protein change: p.Cys202Phe; replaces cysteine 202 with phenylalanine.
Molecular consequence: missense variant. On other transcripts: 5 prime UTR variant (2), non-coding transcript variant (1), intron variant (1).
Genome position (GRCh38, 1-based): chr7:5,999,208, C>A on the plus strand (G>T on the coding strand, the complement: PMS2 is on the minus strand). VCF-style: chr7-5999208-C-A. GRCh37 (hg19) VCF-style: chr7-6038839-C-A.
Other names: c.200G>T, p.Cys67Phe (NM_001018040.1, NM_001322003.2, NM_001322004.2 and 20 more transcripts); c.605G>T, p.Cys202Phe (NM_001322006.2, NM_001322014.2, NM_001406870.1 and 4 more transcripts); c.287G>T, p.Cys96Phe (NM_001322007.2, NM_001322008.2, NM_001406876.1 and 4 more transcripts); c.-329G>T (NM_001322011.2, NM_001322012.2); c.296G>T, p.Cys99Phe (NM_001322015.2, NM_001406875.1, NM_001406877.1 and 6 more transcripts); c.791G>T, p.Cys264Phe (NM_001406866.1); c.629G>T, p.Cys210Phe (NM_001406868.1); c.269G>T, p.Cys90Phe (NM_001406885.1); and 1 more; short protein forms C210F, C264F, C67F, C99F, C202F, C90F, C96F.
Identifiers: ClinVar variation 2169882 (VCV002169882.4), dbSNP rs2128801049, ClinGen allele CA366743995.

ClinVar aggregate classification (germline): Uncertain significance. Review status: criteria provided, multiple submitters, no conflicts (2 of 4 stars). 2 submissions from 2 submitters: Uncertain significance (2). Last evaluated 2025-07-14.

Conditions:
Hereditary cancer-predisposing syndrome. Also called: Hereditary neoplastic syndrome; Neoplastic Syndromes, Hereditary; Hereditary Cancer Syndrome; Tumor predisposition. Identifiers: Orphanet 140162, MedGen C0027672, MeSH D009386, MONDO:0015356.
Hereditary nonpolyposis colorectal neoplasms. Identifiers: MedGen C0009405, MeSH D003123.

Submissions (2):

Color Diagnostics, LLC DBA Color Health
Classification: Uncertain significance for Hereditary cancer-predisposing syndrome. Last evaluated: 2025-07-14. Review status: criteria provided, single submitter. Criteria: ACMG Guidelines, 2015. Collection method: clinical testing. Allele origin: germline.
Comment: This missense variant replaces cysteine with phenylalanine at codon 202 of the PMS2 protein. Computational prediction is inconclusive regarding the impact of this variant on protein structure and function. To our knowledge, functional studies have not been reported for this variant. This variant has not been reported in individuals affected with PMS2-related disorders in the literature. This variant has not been identified in the general population by the Genome Aggregation Database (gnomAD). The available evidence is insufficient to determine the role of this variant in disease conclusively. Therefore, this variant is classified as a Variant of Uncertain Significance.

Labcorp Genetics (formerly Invitae), Labcorp
Classification: Uncertain significance for Hereditary nonpolyposis colorectal neoplasms. Last evaluated: 2022-02-05. Review status: criteria provided, single submitter. Criteria: Invitae Variant Classification Sherloc (09022015). Collection method: clinical testing. Allele origin: germline.
Comment: This variant has not been reported in the literature in individuals affected with PMS2-related conditions. In summary, the available evidence is currently insufficient to determine the role of this variant in disease. Therefore, it has been classified as a Variant of Uncertain Significance. Algorithms developed to predict the effect of missense changes on protein structure and function (SIFT, PolyPhen-2, Align-GVGD) all suggest that this variant is likely to be disruptive. This variant is not present in population databases (gnomAD no frequency). This sequence change replaces cysteine, which is neutral and slightly polar, with phenylalanine, which is neutral and non-polar, at codon 202 of the PMS2 protein (p.Cys202Phe).